The following is an entry in ClinVar:

NM_001099274.3(TINF2):c.1292del (p.Pro431fs)

Gene: TINF2 (TERF1 interacting nuclear factor 2; minus strand). Cytogenetic location: 14q12.
Variant type: Deletion.
Coding change: c.1292del on transcript NM_001099274.3 (MANE Select); coding-DNA position 1292, one base deleted (C; older notation c.1292delC).
Protein change: p.Pro431fs; shifts the reading frame from proline 431.
Molecular consequence: frameshift variant. On other transcripts: 3 prime UTR variant (1).
Genome position (GRCh38, 1-based): chr14:24,239,861, G deleted on the plus strand (C on the coding strand, the reverse complement: TINF2 is on the minus strand); the first of 5 consecutive G bases (chr14:24,239,861-24,239,865); deleting any one gives the same sequence. VCF-style (leftmost placement, unchanged base first): chr14-24239860-AG-A. GRCh37 (hg19) VCF-style: chr14-24709066-AG-A.
Other names: c.1292delC (NM_001099274.1); c.1187del, p.Pro396fs (NM_001363668.2); c.*554del (NM_012461.3); short protein forms P431fs, P396fs.
Identifiers: ClinVar variation 646280 (VCV000646280.13), dbSNP rs770529422, ClinGen allele CA7130419.

ClinVar aggregate classification (germline): Uncertain significance. Review status: criteria provided, single submitter (1 of 4 stars). 2 submissions from 2 submitters: Uncertain significance (1). 1 of the submissions does not count toward it. Last evaluated 2024-04-08.

Conditions:
Dyskeratosis congenita. Identifiers: Orphanet 1775, MedGen C0265965, MONDO:0015780.
Dyskeratosis congenita, autosomal dominant 3. Identifiers: MedGen C3151445, MONDO:0013522, OMIM 613990.

Submissions (2):

Labcorp Genetics (formerly Invitae), Labcorp
Classification: Uncertain significance for Dyskeratosis congenita. Last evaluated: 2024-04-08. Review status: criteria provided, single submitter. Criteria: Invitae Variant Classification Sherloc (09022015). Collection method: clinical testing. Allele origin: germline.
Comment: This sequence change results in a frameshift in the TINF2 gene (p.Pro431Leufs*31). While this is not anticipated to result in nonsense mediated decay, it is expected to disrupt the last 21 amino acid(s) of the TINF2 protein and extend the protein by 9 additional amino acid residues. This variant is present in population databases (rs770529422, gnomAD 0.04%). This variant has not been reported in the literature in individuals affected with TINF2-related conditions. ClinVar contains an entry for this variant (Variation ID: 646280). Experimental studies and prediction algorithms are not available or were not evaluated, and the functional significance of this variant is currently unknown. In summary, the available evidence is currently insufficient to determine the role of this variant in disease. Therefore, it has been classified as a Variant of Uncertain Significance.

Beijing Key Laboratory for Genetic Research of Skeletal Deformity, Peking Union Medical College Hospital
Classification: Likely pathogenic for Dyskeratosis congenita, autosomal dominant 3. Last evaluated: 2019-05-31. Review status: no assertion criteria provided. Collection method: research. Allele origin: unknown. Affected: yes. Not counted in ClinVar's aggregate classification.